The following is an entry in ClinVar:

NM_005219.5(DIAPH1):c.2842G>A (p.Glu948Lys)

Gene: DIAPH1 (diaphanous related formin 1; minus strand). Cytogenetic location: 5q31.3.
Variant type: single nucleotide variant.
Coding change: c.2842G>A on transcript NM_005219.5 (MANE Select); coding-DNA position 2842, G replaced by A.
Protein change: p.Glu948Lys; replaces glutamic acid 948 with lysine.
Molecular consequence: missense variant.
Genome position (GRCh38, 1-based): chr5:141,528,878, C>T on the plus strand (G>A on the coding strand, the complement: DIAPH1 is on the minus strand). VCF-style: chr5-141528878-C-T. GRCh37 (hg19) VCF-style: chr5-140908445-C-T.
Other names: c.2815G>A, p.Glu939Lys (NM_001079812.3); c.2842G>A, p.Glu948Lys (NM_001314007.2); short protein forms E939K, E948K.
Identifiers: ClinVar variation 2932741 (VCV002932741.3), dbSNP rs2099887786, ClinGen allele CA361585139.

ClinVar aggregate classification (germline): Uncertain significance (1 of 4 stars; one submission).

Conditions:
Progressive microcephaly-seizures-cortical blindness-developmental delay syndrome. Also called: Seizures, cortical blindness, and microcephaly syndrome. Identifiers: Orphanet 477814, MedGen C5567650, MONDO:0014714, OMIM 616632.
Autosomal dominant nonsyndromic hearing loss 1. Also called: KONIGSMARK SYNDROME; DEAFNESS, AUTOSOMAL DOMINANT 1, WITH OR WITHOUT THROMBOCYTOPENIA. Identifiers: Orphanet 90635, MedGen C1852282, MONDO:0007424, OMIM 124900.

Allele frequency attached by ClinVar (database versions not stated): TOPMed below 0.00001; gnomAD 0.00001.
gnomAD v4.1: 2 of 1,614,060 alleles (0.00012%); highest among the groups gnomAD compares: Non-Finnish European, 0.00017%; no homozygotes.

Submission:

Labcorp Genetics (formerly Invitae), Labcorp
Classification: Uncertain significance for Progressive microcephaly-seizures-cortical blindness-developmental delay syndrome; Autosomal dominant nonsyndromic hearing loss 1. Last evaluated: 2023-02-18. Review status: criteria provided, single submitter. Criteria: Invitae Variant Classification Sherloc (09022015). Collection method: clinical testing. Allele origin: germline.
Comment: In summary, the available evidence is currently insufficient to determine the role of this variant in disease. Therefore, it has been classified as a Variant of Uncertain Significance. An algorithm developed to predict the effect of missense changes on protein structure and function (PolyPhen-2) suggests that this variant is likely to be disruptive. This variant has not been reported in the literature in individuals affected with DIAPH1-related conditions. This variant is not present in population databases (gnomAD no frequency). This sequence change replaces glutamic acid, which is acidic and polar, with lysine, which is basic and polar, at codon 948 of the DIAPH1 protein (p.Glu948Lys).